The following is an entry in ClinVar:

ClinVar aggregate classification (germline): Uncertain significance (1 of 4 stars; one submission).

Conditions:
3-methylcrotonyl-CoA carboxylase 1 deficiency (MCC1D). Also called: MCCD TYPE 1; METHYLCROTONYLGLYCINURIA TYPE I; MCC 1 deficiency; 3 Alpha methylcrotonylglycinuria 1. Identifiers: Orphanet 6, MedGen CN028786, MONDO:0008861, OMIM 210200.

Allele frequency attached by ClinVar (database versions not stated): gnomAD exomes 0.00001; TOPMed 0.00002.
gnomAD v4.1: 14 of 1,601,916 alleles (0.00087%); highest among the groups gnomAD compares: Non-Finnish European, 0.0011%; no homozygotes.

Submission:

Labcorp Genetics (formerly Invitae), Labcorp
Classification: Uncertain significance for 3-methylcrotonyl-CoA carboxylase 1 deficiency. Last evaluated: 2024-06-24. Review status: criteria provided, single submitter. Criteria: Invitae Variant Classification Sherloc (09022015). Collection method: clinical testing. Allele origin: germline.
Comment: This sequence change replaces valine, which is neutral and non-polar, with isoleucine, which is neutral and non-polar, at codon 256 of the MCCC1 protein (p.Val256Ile). The frequency data for this variant in the population databases is considered unreliable, as metrics indicate poor data quality at this position in the gnomAD database. This variant has not been reported in the literature in individuals affected with MCCC1-related conditions. ClinVar contains an entry for this variant (Variation ID: 2139402). Advanced modeling of protein sequence and biophysical properties (such as structural, functional, and spatial information, amino acid conservation, physicochemical variation, residue mobility, and thermodynamic stability) performed at Invitae indicates that this missense variant is not expected to disrupt MCCC1 protein function with a negative predictive value of 80%. In summary, the available evidence is currently insufficient to determine the role of this variant in disease. Therefore, it has been classified as a Variant of Uncertain Significance.

NM_020166.5(MCCC1):c.766G>A (p.Val256Ile)

Gene: MCCC1 (methylcrotonyl-CoA carboxylase subunit 1; minus strand). Cytogenetic location: 3q27.1.
Variant type: single nucleotide variant.
Coding change: c.766G>A on transcript NM_020166.5 (MANE Select); coding-DNA position 766, G replaced by A.
Protein change: p.Val256Ile; replaces valine 256 with isoleucine.
Molecular consequence: missense variant. On other transcripts: non-coding transcript variant (2).
Genome position (GRCh38, 1-based): chr3:183,057,418, C>T on the plus strand (G>A on the coding strand, the complement: MCCC1 is on the minus strand). VCF-style: chr3-183057418-C-T. GRCh37 (hg19) VCF-style: chr3-182775206-C-T.
Other names: c.415G>A, p.Val139Ile (NM_001293273.2); c.439G>A, p.Val147Ile (NM_001363880.1); short protein forms V139I, V256I, V147I.
Identifiers: ClinVar variation 2139402 (VCV002139402.3), dbSNP rs1287993258, ClinGen allele CA355328014.